The following is an entry in ClinVar:

NM_005159.4(ACTC1):c.*1513T>C

Genes: ACTC1 (actin alpha cardiac muscle 1; minus strand), GJD2-DT (GJD2 divergent transcript; plus strand). Cytogenetic location: 15q14.
Variant type: single nucleotide variant.
Coding change: c.*1513T>C on transcript NM_005159.4; 1513 bases downstream of the stop codon, T replaced by C.
Genome position (GRCh38, 1-based): chr15:34,788,899, A>G on the plus strand (T>C on the coding strand, the complement: ACTC1 is on the minus strand). VCF-style: chr15-34788899-A-G. GRCh37 (hg19) VCF-style: chr15-35081100-A-G.
Identifiers: ClinVar variation 315655 (VCV000315655.7), dbSNP rs113063427, ClinGen allele CA10645715.

ClinVar aggregate classification (germline): Likely benign. Review status: criteria provided, single submitter (1 of 4 stars). 2 submissions from 1 submitter: Likely benign (2). Last evaluated 2018-01-12.

Conditions:
Hypertrophic cardiomyopathy 11. Also called: ACTC1-Related Familial Hypertrophic Cardiomyopathy. Identifiers: MedGen C2677506, MONDO:0012799, OMIM 612098.
Dilated cardiomyopathy 1R (CMD1R). Identifiers: Orphanet 154, Orphanet 54260, MedGen C3150681, MONDO:0013261, OMIM 613424.

Allele frequency attached by ClinVar (database versions not stated): TOPMed 0.00297; 1000 Genomes Project 30x 0.00515; gnomAD 0.00276 and 0.00287; 1000 Genomes Project 0.00479.

Submissions (2):

Illumina Laboratory Services, Illumina
Classification: Likely benign for Hypertrophic cardiomyopathy 11. Last evaluated: 2018-01-12. Review status: criteria provided, single submitter. Criteria: ICSL Variant Classification Criteria 13 December 2019. Collection method: clinical testing. Allele origin: germline.
Comment: This variant was observed in the ICSL laboratory as part of a predisposition screen in an ostensibly healthy population. It had not been previously curated by ICSL or reported in the Human Gene Mutation Database (HGMD: prior to June 1st, 2018), and was therefore a candidate for classification through an automated scoring system. Utilizing variant allele frequency, disease prevalence and penetrance estimates, and inheritance mode, an automated score was calculated to assess if this variant is too frequent to cause the disease. Based on the score and internal cut-off values, a variant classified as likely benign is not then subjected to further curation. The score for this variant resulted in a classification of likely benign for this disease.

Illumina Laboratory Services, Illumina
Classification: Likely benign for Dilated cardiomyopathy 1R. Last evaluated: 2018-01-12. Review status: criteria provided, single submitter. Criteria: ICSL Variant Classification Criteria 13 December 2019. Collection method: clinical testing. Allele origin: germline.
Comment: the same text as in the submission from Illumina Laboratory Services, Illumina above.